The following is an entry in ClinVar:

ClinVar aggregate classification (germline): Pathogenic. Review status: criteria provided, multiple submitters, no conflicts (2 of 4 stars). 13 submissions from 13 submitters: Pathogenic (11). 2 of the submissions do not count toward it. Last evaluated 2025-10-09.

Conditions:
TNNI2-related disorder. Also called: TNNI2-related condition.
Distal arthrogryposis type 2B1 (DA2B1). Also called: Arthrogryposis multiplex congenita distal type II with craniofacial abnormalities. Identifiers: Orphanet 1147, MedGen C5193014, MONDO:0020820, OMIM 601680.
Ulnar deviation of the wrist. Identifiers: MedGen C0231678, HP:0003049.
Calcaneovalgus deformity. Identifiers: MedGen C1860450, HP:0001848.
Distal arthrogryposis. Identifiers: Orphanet 97120, MedGen C0265213, MONDO:0019942, HP:0005684.
Congenital finger flexion contractures. Identifiers: MedGen C1393871, HP:0005879.

Submissions (13):

Variantyx, Inc.
Classification: Pathogenic for Distal arthrogryposis type 2B1. Last evaluated: 2025-10-09. Review status: criteria provided, single submitter. Criteria: Variantyx Assertion Criteria 2022. Collection method: clinical testing. Allele origin: de novo. Inheritance: Autosomal dominant inheritance. Affected: yes.
Comment: This is a nonsense variant in the TNNI2 gene (OMIM: 191043). Pathogenic variants in this gene have been associated with autosomal dominant distal arthrogryposis type 2B1. This variant has been reported in at least two unrelated affected individuals (PMID: 1710100, 12592607) (PS4_Moderate) and it has been observed to segregate with disease in at least three individuals from one family (PMID: 12592607) (PP1). Functional studies have shown that this variant alters TNNI2 protein function (PMID: 17194691) (PS3). This variant is absent from control populations (PM2). Based on the current evidence, this variant is classified as pathogenic for autosomal dominant distal arthrogryposis, type 2B1.

Laboratoire Génétique Moléculaire, CHRU TOURS
Classification: Pathogenic for Distal arthrogryposis type 2B1. Last evaluated: 2025-04-02. Review status: criteria provided, single submitter. Criteria: ACMG Guidelines, 2015. Collection method: clinical testing. Allele origin: de novo. Affected: yes.
Comment: PVS1;PS2;PM2;PP4;PP5

Department of Genetics, Rouen University Hospital, Normandy Center for Genomic and Personalized Medicine
Classification: Pathogenic for Distal arthrogryposis type 2B1. Last evaluated: 2023-09-08. Review status: criteria provided, single submitter. Criteria: ACMG Guidelines, 2015. Collection method: clinical testing. Allele origin: de novo. Affected: yes.

Oxford Medical Genetics Laboratories, Oxford University Hospitals NHS Foundation Trust
Classification: Pathogenic for Distal arthrogryposis type 2B1. Last evaluated: 2023-03-23. Review status: criteria provided, single submitter. Criteria: ACMG Guidelines, 2015. Collection method: clinical testing. Allele origin: germline. Affected: yes.

Institute of Medical Genetics and Applied Genomics, University Hospital Tübingen
Classification: Pathogenic for Distal arthrogryposis type 2B1. Last evaluated: 2022-12-07. Review status: criteria provided, single submitter. Criteria: ACMG Guidelines, 2015. Collection method: clinical testing. Allele origin: germline. Inheritance: Autosomal dominant inheritance. Affected: yes.

GeneDx
Classification: Pathogenic. Last evaluated: 2022-09-23. Review status: criteria provided, single submitter. Criteria: GeneDx Variant Classification Process June 2021. Collection method: clinical testing. Allele origin: germline. Affected: yes.
Comment: Nonsense variant predicted to result in protein truncation, although loss-of-function variants have not been reported downstream of this position in the protein; Not observed in large population cohorts (gnomAD); This variant is associated with the following publications: (PMID: 18331830, 21402185, 17101001, 25340332, 16497570, 16802141, 23401156, 12592607, 17194691, 33726816, 33060286)

Blueprint Genetics
Classification: Pathogenic for TNNI2-related disorders. Last evaluated: 2022-06-29. Review status: criteria provided, single submitter. Criteria: ACMG Guidelines, 2015. Collection method: clinical testing. Allele origin: germline. Affected: yes. Observed: 4 variant alleles.

Baylor Genetics
Classification: Pathogenic for Distal arthrogryposis type 2B1. Last evaluated: 2019-09-06. Review status: criteria provided, single submitter. Criteria: ACMG Guidelines, 2015. Collection method: clinical testing. Allele origin: de novo. Affected: yes.
Comment: This variant was determined to be pathogenic according to ACMG Guidelines, 2015 [PMID:25741868]. This variant has been previously reported as pathogenic in multiple patients with type 2B distal arthrogryposis [PMID 12592607, 17101001, 17194691, ClinVar ID: 12436]

Clinical Genetics and Genomics, Karolinska University Hospital
Classification: Pathogenic. Last evaluated: 2018-04-09. Review status: criteria provided, single submitter. Criteria: ACMG Guidelines, 2015. Collection method: clinical testing. Allele origin: germline. Affected: yes. Observed: 2 variant alleles.

Genetic Services Laboratory, University of Chicago
Classification: Pathogenic for Arthrogryposis multiplex congenita, distal, type 2B. Last evaluated: 2015-11-25. Review status: criteria provided, single submitter. Criteria: ACMG Guidelines, 2015. Collection method: clinical testing. Allele origin: germline. Affected: yes.

Centre for Mendelian Genomics, University Medical Centre Ljubljana
Classification: Pathogenic for Calcaneovalgus deformity; Congenital finger flexion contractures; Distal arthrogryposis; Ulnar deviation of the wrist. Last evaluated: 2014-03-06. Review status: criteria provided, single submitter. Criteria: ACMG Guidelines, 2015. Collection method: clinical testing. Allele origin: unknown. Affected: yes.

OMIM
Classification: Pathogenic for ARTHROGRYPOSIS, DISTAL, TYPE 2B1. Last evaluated: 2006-12-01. Review status: no assertion criteria provided. Collection method: literature only. Allele origin: germline. Not counted in ClinVar's aggregate classification.

TNNI2 homepage - Leiden Muscular Dystrophy pages
No classification provided. Review status: no classification provided. Collection method: not provided. Allele origin: germline, somatic. Not counted in ClinVar's aggregate classification.
Comment: has functional consequence

Literature cited by the submitters: PubMed 12592607 (cited by 3 submitters); PubMed 1710100 (cited by Variantyx, Inc.); PubMed 17194691 (cited by Variantyx, Inc. and Baylor Genetics); PubMed 17101001 (cited by Baylor Genetics and OMIM).

NM_003282.4(TNNI2):c.466C>T (p.Arg156Ter)

Gene: TNNI2 (troponin I2, fast skeletal type; plus strand). Cytogenetic location: 11p15.5.
Variant type: single nucleotide variant.
Coding change: c.466C>T on transcript NM_003282.4 (MANE Select); coding-DNA position 466, C replaced by T.
Protein change: p.Arg156Ter; replaces arginine 156 with a stop codon.
Molecular consequence: nonsense.
Genome position (GRCh38, 1-based): chr11:1,841,468, C>T. VCF-style: chr11-1841468-C-T. GRCh37 (hg19) VCF-style: chr11-1862698-C-T.
Other names: c.466C>T, p.Arg156Ter (NM_001145829.2, NM_001145841.2); short protein forms R156*.
Identifiers: ClinVar variation 12436 (VCV000012436.42), dbSNP rs104894312, ClinGen allele CA122379.